The following is an entry in ClinVar:

ClinVar aggregate classification (germline): Uncertain significance (1 of 4 stars; one submission).

Allele frequency attached by ClinVar (database versions not stated): gnomAD 0.00003 and 0.00004; gnomAD exomes 0.00003 and 0.00010; TOPMed 0.00005; ESP Exome Variant Server 0.00008; ExAC 0.00009.
gnomAD v4.1: 42 of 1,613,324 alleles (0.0026%); highest among the groups gnomAD compares: Admixed American, 0.033%; no homozygotes.

Submission:

Labcorp Genetics (formerly Invitae), Labcorp
Classification: Uncertain significance. Last evaluated: 2024-07-30. Review status: criteria provided, single submitter. Criteria: Invitae Variant Classification Sherloc (09022015). Collection method: clinical testing. Allele origin: germline.
Comment: This sequence change replaces arginine, which is basic and polar, with glutamine, which is neutral and polar, at codon 1707 of the HMCN1 protein (p.Arg1707Gln). This variant is present in population databases (rs367984117, gnomAD 0.06%), and has an allele count higher than expected for a pathogenic variant. This variant has not been reported in the literature in individuals affected with HMCN1-related conditions. ClinVar contains an entry for this variant (Variation ID: 1497727). An algorithm developed to predict the effect of missense changes on protein structure and function outputs the following: PolyPhen-2: "Benign". The glutamine amino acid residue is found in multiple mammalian species, which suggests that this missense change does not adversely affect protein function. In summary, the available evidence is currently insufficient to determine the role of this variant in disease. Therefore, it has been classified as a Variant of Uncertain Significance.

NM_031935.3(HMCN1):c.5120G>A (p.Arg1707Gln)

Gene: HMCN1 (hemicentin 1; plus strand). Cytogenetic location: 1q31.1.
Variant type: single nucleotide variant.
Coding change: c.5120G>A on transcript NM_031935.3 (MANE Select); coding-DNA position 5120, G replaced by A.
Protein change: p.Arg1707Gln; replaces arginine 1707 with glutamine.
Molecular consequence: missense variant.
Genome position (GRCh38, 1-based): chr1:186,016,168, G>A. VCF-style: chr1-186016168-G-A. GRCh37 (hg19) VCF-style: chr1-185985300-G-A.
Other names: short protein forms R1707Q.
Identifiers: ClinVar variation 1497727 (VCV001497727.5), dbSNP rs367984117, ClinGen allele CA1292182.
Genomic context (GRCh38, chr1:186,016,168, plus strand): 5'-ATATCCGCATAGAAGCTGGTGGGAAGAAACTCGAAATCATGAGTGCCCAAGAAATTGATC[G>A]AGGACAGTACATATGCGTGGCTACCAGTGTGGCAGGAGAAAAGGAAATCAAATATGAAGT-3'
Protein context (NP_114141.2, residues 1697-1717): LEIMSAQEID[Arg1707Gln]GQYICVATSV